The following is an entry in ClinVar:

ClinVar aggregate classification (germline): Uncertain significance. Review status: criteria provided, multiple submitters, no conflicts (2 of 4 stars). 3 submissions from 3 submitters: Uncertain significance (3). Last evaluated 2024-04-16.

Conditions:
Catecholaminergic polymorphic ventricular tachycardia 1. Also called: RYR2-Related Catecholaminergic Polymorphic Ventricular Tachycardia; VENTRICULAR TACHYCARDIA, CATECHOLAMINERGIC POLYMORPHIC, 1, WITH OR WITHOUT ATRIAL DYSFUNCTION AND/OR DILATED CARDIOMYOPATHY; VENTRICULAR TACHYCARDIA, STRESS-INDUCED POLYMORPHIC 1. Identifiers: Orphanet 3286, MedGen C1631597, MONDO:0011484, OMIM 604772.
Catecholaminergic polymorphic ventricular tachycardia (CVPT). Also called: Catecholamine-induced polymorphic ventricular tachycardia. Identifiers: Orphanet 3286, MedGen C5574922, MONDO:0017990.
Cardiomyopathy (CMYO). Also called: Cardiomyopathies. Identifiers: Orphanet 167848, MedGen C0878544, MONDO:0004994, HP:0001638. Inheritance: Various modes of inheritance.

Allele frequency attached by ClinVar (database versions not stated): TOPMed 0.00003.

Submissions (3):

All of Us Research Program, National Institutes of Health
Classification: Uncertain significance for Catecholaminergic polymorphic ventricular tachycardia. Last evaluated: 2024-04-16. Review status: criteria provided, single submitter. Criteria: ACMG Guidelines, 2015. Collection method: clinical testing. Allele origin: germline. Inheritance: Autosomal dominant inheritance. Observed: 2 variant alleles, 2 heterozygotes.
Comment: This missense variant replaces arginine with glycine at codon 929 of the RYR2 protein. Computational prediction suggests that this variant may have deleterious impact on protein structure and function (internally defined REVEL score threshold >= 0.7, PMID: 27666373). Splice site prediction tools suggest that this variant may not impact RNA splicing. To our knowledge, functional studies have not been reported for this variant. This variant has not been reported in individuals affected with cardiovascular disorders in the literature. This variant has not been identified in the general population by the Genome Aggregation Database (gnomAD). The available evidence is insufficient to determine the role of this variant in disease conclusively. Therefore, this variant is classified as a Variant of Uncertain Significance.

This study involves interpretation of variants in research participants for the purpose of population health screening. Participant phenotype was not available at the time of variant classification. Additional details can be found in publication PMID: 35346344, PMCID: PMC8962531

Color Diagnostics, LLC DBA Color Health
Classification: Uncertain significance for Cardiomyopathy. Last evaluated: 2024-03-06. Review status: criteria provided, single submitter. Criteria: ACMG Guidelines, 2015. Collection method: clinical testing. Allele origin: germline.
Comment: This missense variant replaces arginine with glycine at codon 929 of the RYR2 protein. Computational prediction suggests that this variant may have deleterious impact on protein structure and function (internally defined REVEL score threshold >= 0.7, PMID: 27666373). Splice site prediction tools suggest that this variant may not impact RNA splicing. To our knowledge, functional studies have not been reported for this variant. This variant has not been reported in individuals affected with cardiovascular disorders in the literature. This variant has not been identified in the general population by the Genome Aggregation Database (gnomAD). The available evidence is insufficient to determine the role of this variant in disease conclusively. Therefore, this variant is classified as a Variant of Uncertain Significance.

Labcorp Genetics (formerly Invitae), Labcorp
Classification: Uncertain significance for Catecholaminergic polymorphic ventricular tachycardia 1. Last evaluated: 2020-02-10. Review status: criteria provided, single submitter. Criteria: Invitae Variant Classification Sherloc (09022015). Collection method: clinical testing. Allele origin: germline.
Comment: Algorithms developed to predict the effect of missense changes on protein structure and function (SIFT, PolyPhen-2, Align-GVGD) all suggest that this variant is likely to be disruptive, but these predictions have not been confirmed by published functional studies and their clinical significance is uncertain. This sequence change replaces arginine with glycine at codon 929 of the RYR2 protein (p.Arg929Gly). The arginine residue is highly conserved and there is a moderate physicochemical difference between arginine and glycine. This variant is not present in population databases (ExAC no frequency). This variant has not been reported in the literature in individuals with RYR2-related disease. In summary, the available evidence is currently insufficient to determine the role of this variant in disease. Therefore, it has been classified as a Variant of Uncertain Significance.

NM_001035.3(RYR2):c.2785C>G (p.Arg929Gly)

Gene: RYR2 (ryanodine receptor 2; plus strand). Cytogenetic location: 1q43.
Variant type: single nucleotide variant.
Coding change: c.2785C>G on transcript NM_001035.3 (MANE Select); coding-DNA position 2785, C replaced by G.
Protein change: p.Arg929Gly; replaces arginine 929 with glycine.
Molecular consequence: missense variant.
Genome position (GRCh38, 1-based): chr1:237,511,754, C>G. VCF-style: chr1-237511754-C-G. GRCh37 (hg19) VCF-style: chr1-237675054-C-G.
Other names: c.2785C>G, p.Arg929Gly (LRG_402t1); short protein forms R929G.
Identifiers: ClinVar variation 571547 (VCV000571547.17), dbSNP rs528906699, ClinGen allele CA345383441.
Genomic context (GRCh38, chr1:237,511,754, plus strand): 5'-GATGACAACAAGAGACAACACCCATGCCTGGTGGAGTTCTCCAAGCTGCCTGAACAGGAG[C>G]GCAATTACAACTTACAAATGTCGCTTGAGACCCTGAAGTGAGTTTCTTAACTTTTTCTAT-3'
Protein context (NP_001026.2, residues 919-939): VEFSKLPEQE[Arg929Gly]NYNLQMSLET